The following is an entry in ClinVar:

NM_015506.3(MMACHC):c.433A>G (p.Ile145Val)

Gene: MMACHC (metabolism of cobalamin associated C; plus strand). Cytogenetic location: 1p34.1.
Variant type: single nucleotide variant.
Coding change: c.433A>G on transcript NM_015506.3 (MANE Select); coding-DNA position 433, A replaced by G.
Protein change: p.Ile145Val; replaces isoleucine 145 with valine.
Molecular consequence: missense variant.
Genome position (GRCh38, 1-based): chr1:45,508,799, A>G. VCF-style: chr1-45508799-A-G. GRCh37 (hg19) VCF-style: chr1-45974471-A-G.
Other names: p.Ile145Val; c.262A>G, p.Ile88Val (NM_001330540.2); short protein forms I145V, I88V.
Identifiers: ClinVar variation 1328321 (VCV001328321.13), dbSNP rs74365027, ClinGen allele CA827757.

ClinVar aggregate classification (germline): Uncertain significance. Review status: criteria provided, multiple submitters, no conflicts (2 of 4 stars). 7 submissions from 7 submitters: Uncertain significance (5). 2 of the submissions do not count toward it. Last evaluated 2026-04-01.

Conditions:
Cobalamin C disease. Also called: Methylmalonic aciduria with homocystinuria cblC type; Methylmalonic aciduria and homocystinuria, Vitamin B12-responsive; Vitamin B12 metabolic defect with combined deficiency of methylmalonyl-CoA mutase and homocysteine:methyltetrahydrofolate methyltransferase; methylmalonic aciduria and homocystinuria type cblC; Cobalamin-C methylmalonic acidemia and homocystinuria; Methylmalonic acidemia and homocystinuria cblC type. Identifiers: Orphanet 26, Orphanet 79282, MedGen C1848561, MONDO:0010184, OMIM 277400.

gnomAD v4.1: 76 of 1,613,700 alleles (0.0047%); highest among the groups gnomAD compares: East Asian, 0.016%; no homozygotes.

Submissions (7):

CeGaT Center for Human Genetics Tuebingen
Classification: Uncertain significance. Last evaluated: 2026-04-01. Review status: criteria provided, single submitter. Criteria: CeGaT Center For Human Genetics Tuebingen Variant Classification Criteria Version 2. Collection method: clinical testing. Allele origin: germline. Affected: yes. Observed: 1 variant allele.
Comment: MMACHC: PM2

Mayo Clinic Laboratories, Mayo Clinic
Classification: Uncertain significance. Last evaluated: 2025-07-15. Review status: criteria provided, single submitter. Criteria: ACMG Guidelines, 2015. Collection method: clinical testing. Allele origin: germline. Observed: 2 variant alleles.

Genome-Nilou Lab
Classification: Uncertain significance for Cobalamin C disease. Last evaluated: 2023-04-11. Review status: criteria provided, single submitter. Criteria: ACMG Guidelines, 2015. Collection method: clinical testing. Allele origin: germline. Affected: no.

Labcorp Genetics (formerly Invitae), Labcorp
Classification: Uncertain significance for Cobalamin C disease. Last evaluated: 2022-06-20. Review status: criteria provided, single submitter. Criteria: Invitae Variant Classification Sherloc (09022015). Collection method: clinical testing. Allele origin: germline.
Comment: This sequence change replaces isoleucine, which is neutral and non-polar, with valine, which is neutral and non-polar, at codon 145 of the MMACHC protein (p.Ile145Val). This variant is present in population databases (rs74365027, gnomAD 0.008%). This variant has not been reported in the literature in individuals affected with MMACHC-related conditions. ClinVar contains an entry for this variant (Variation ID: 1328321). Advanced modeling of protein sequence and biophysical properties (such as structural, functional, and spatial information, amino acid conservation, physicochemical variation, residue mobility, and thermodynamic stability) performed at Invitae indicates that this missense variant is not expected to disrupt MMACHC protein function. In summary, the available evidence is currently insufficient to determine the role of this variant in disease. Therefore, it has been classified as a Variant of Uncertain Significance.

Fulgent Genetics
Classification: Uncertain significance for Cobalamin C disease. Last evaluated: 2022-04-06. Review status: criteria provided, single submitter. Criteria: ACMG Guidelines, 2015. Collection method: clinical testing. Allele origin: unknown.

Joint Genome Diagnostic Labs from Nijmegen and Maastricht, Radboudumc and MUMC+
Classification: Uncertain significance. Review status: no assertion criteria provided. Collection method: clinical testing. Allele origin: germline. Affected: yes. Study: VKGL Data-share Consensus. Not counted in ClinVar's aggregate classification.

Laboratory of Diagnostic Genome Analysis, Leiden University Medical Center (LUMC)
Classification: Uncertain significance. Review status: no assertion criteria provided. Collection method: clinical testing. Allele origin: germline. Affected: yes. Study: VKGL Data-share Consensus. Not counted in ClinVar's aggregate classification.